The following is an entry in ClinVar:

NM_002907.4(RECQL):c.1099-5_1099-4insA

Gene: RECQL (RecQ like helicase; minus strand). Cytogenetic location: 12p12.1.
Variant type: Insertion.
Coding change: c.1099-5_1099-4insA on transcript NM_002907.4 (MANE Select); 5 bases into the intron before coding-DNA position 1099 through 4 bases into the intron before coding-DNA position 1099, A inserted.
Molecular consequence: intron variant.
Genome position: GRCh38 VCF-style: chr12-21475589-A-AT. GRCh37 (hg19) VCF-style: chr12-21628523-A-AT.
Other names: c.1099-5_1099-4insA (NM_032941.3).
Identifiers: ClinVar variation 1431042 (VCV001431042.6), dbSNP rs1472826465, ClinGen allele CA603967611.
Genomic context (GRCh38, chr12:21,475,589, plus strand): 5'-AAACCTCACATCTGGCTTATCAATTCCCATACCAAATGCAACAGTTGCCACTACTACCTG[A>AT]AATATTTTAACATTTTATCAGTTAATTAAATCAAGTTTAAATATTTTAAAGGTAAATTAG-3'

ClinVar aggregate classification (germline): Uncertain significance (1 of 4 stars; one submission).

Allele frequency attached by ClinVar (database versions not stated): gnomAD exomes below 0.00001 and 0.00001; gnomAD 0.00001; TOPMed 0.00001.

Submission:

Labcorp Genetics (formerly Invitae), Labcorp
Classification: Uncertain significance. Last evaluated: 2023-05-01. Review status: criteria provided, single submitter. Criteria: Invitae Variant Classification Sherloc (09022015). Collection method: clinical testing. Allele origin: germline.
Comment: Algorithms developed to predict the effect of sequence changes on RNA splicing suggest that this variant may disrupt the consensus splice site. ClinVar contains an entry for this variant (Variation ID: 1431042). This variant has not been reported in the literature in individuals affected with RECQL-related conditions. This variant is present in population databases (no rsID available, gnomAD 0.009%). This sequence change falls in intron 9 of the RECQL gene. It does not directly change the encoded amino acid sequence of the RECQL protein. In summary, the available evidence is currently insufficient to determine the role of this variant in disease. Therefore, it has been classified as a Variant of Uncertain Significance.